The following is an entry in ClinVar:

ClinVar aggregate classification (germline): Likely benign. Review status: criteria provided, single submitter (1 of 4 stars). 2 submissions from 2 submitters: Likely benign (1). 1 of the submissions does not count toward it. Last evaluated 2025-08-25.

Conditions:
OPTN-related disorder. Also called: OPTN-related condition; OPTN-related disorders.
Amyotrophic lateral sclerosis type 12 (ALS12). Also called: AMYOTROPHIC LATERAL SCLEROSIS 12 WITH OR WITHOUT FRONTOTEMPORAL DEMENTIA. Identifiers: Orphanet 803, MedGen C3150692, MONDO:0013264, OMIM 613435.
Glaucoma 1, open angle, E. Identifiers: MedGen C1842026, MONDO:0007665.
Primary open angle glaucoma (POAG). Also called: OPTN-related open angle glaucoma. Identifiers: MedGen C0339573, MONDO:0100553, OMIM 137760.

gnomAD v4.1: 12 of 1,614,012 alleles (0.00074%); highest among the groups gnomAD compares: Admixed American, 0.0067%; no homozygotes.

Submissions (2):

Labcorp Genetics (formerly Invitae), Labcorp
Classification: Likely benign for Primary open angle glaucoma; Glaucoma 1, open angle, E; Amyotrophic lateral sclerosis type 12. Last evaluated: 2025-08-25. Review status: criteria provided, single submitter. Criteria: Invitae Variant Classification Sherloc (09022015). Collection method: clinical testing. Allele origin: germline.

PreventionGenetics, part of Exact Sciences
Classification: Likely benign for OPTN-related condition. Last evaluated: 2023-03-01. Review status: no assertion criteria provided. Collection method: clinical testing. Allele origin: germline. Not counted in ClinVar's aggregate classification.
Comment: This variant is classified as likely benign based on ACMG/AMP sequence variant interpretation guidelines (Richards et al. 2015 PMID: 25741868, with internal and published modifications).

NM_001008212.2(OPTN):c.1653G>A (p.Pro551=)

Gene: OPTN (optineurin; plus strand). Cytogenetic location: 10p13.
Variant type: single nucleotide variant.
Coding change: c.1653G>A on transcript NM_001008212.2 (MANE Select); coding-DNA position 1653, G replaced by A.
Protein change: p.Pro551=; no amino-acid change (proline 551 retained).
Molecular consequence: synonymous variant.
Genome position (GRCh38, 1-based): chr10:13,136,785, G>A. VCF-style: chr10-13136785-G-A. GRCh37 (hg19) VCF-style: chr10-13178785-G-A.
Other names: c.1653G>A, p.Pro551= (NM_001008211.1, NM_001008213.1, NM_021980.4).
Identifiers: ClinVar variation 728326 (VCV000728326.6), dbSNP rs563795803, ClinGen allele CA203272175.
Genomic context (GRCh38, chr10:13,136,785, plus strand): 5'-ATTATCATACTTATTCCCAGGAGCTGAGGACAGGGACTGGCGGCAACAGCGGAATATTCC[G>A]ATTCATTCCTGCCCCAAGTGTGGAGAGGTTCTGCCTGACATAGACACGTTACAGATTCAC-3'
Protein context (NP_001008213.1, residues 541-561): DRDWRQQRNI[Pro551=]IHSCPKCGEV